The following is an entry in ClinVar:

ClinVar aggregate classification (germline): Likely benign. Review status: criteria provided, multiple submitters, no conflicts (2 of 4 stars). 3 submissions from 3 submitters: Likely benign (2). 1 of the submissions does not count toward it. Last evaluated 2025-02-06.

Conditions:
MYSM1-related disorder. Also called: MYSM1-related condition.

Allele frequency attached by ClinVar (database versions not stated): gnomAD 0.00001; ExAC 0.00002; gnomAD exomes 0.00002; TOPMed 0.00002.
gnomAD v4.1: 32 of 1,566,470 alleles (0.002%); highest among the groups gnomAD compares: African/African-American, 0.0069%; no homozygotes.

Submissions (3):

Labcorp Genetics (formerly Invitae), Labcorp
Classification: Likely benign. Last evaluated: 2025-02-06. Review status: criteria provided, single submitter. Criteria: Invitae Variant Classification Sherloc (09022015). Collection method: clinical testing. Allele origin: germline.

Blueprint Genetics
Classification: Likely benign. Last evaluated: 2021-04-06. Review status: criteria provided, single submitter. Criteria: ACMG Guidelines, 2015. Collection method: clinical testing. Allele origin: germline.

PreventionGenetics, part of Exact Sciences
Classification: Likely benign for MYSM1-related condition. Last evaluated: 2020-01-03. Review status: no assertion criteria provided. Collection method: clinical testing. Allele origin: germline. Not counted in ClinVar's aggregate classification.
Comment: This variant is classified as likely benign based on ACMG/AMP sequence variant interpretation guidelines (Richards et al. 2015 PMID: 25741868, with internal and published modifications).

NM_001085487.3(MYSM1):c.507C>T (p.Cys169=)

Gene: MYSM1 (Myb like, SWIRM and MPN domains 1; minus strand). Cytogenetic location: 1p32.1.
Variant type: single nucleotide variant.
Coding change: c.507C>T on transcript NM_001085487.3 (MANE Select); coding-DNA position 507, C replaced by T.
Protein change: p.Cys169=; no amino-acid change (cysteine 169 retained).
Molecular consequence: synonymous variant.
Genome position (GRCh38, 1-based): chr1:58,682,537, G>A on the plus strand (C>T on the coding strand, the complement: MYSM1 is on the minus strand). VCF-style: chr1-58682537-G-A. GRCh37 (hg19) VCF-style: chr1-59148209-G-A.
Other names: c.507C>T (NM_001085487.2).
Identifiers: ClinVar variation 1589997 (VCV001589997.11), dbSNP rs778858594, ClinGen allele CA877995.